The following is an entry in ClinVar:

ClinVar aggregate classification (germline): Pathogenic. Review status: criteria provided, multiple submitters, no conflicts (2 of 4 stars). 4 submissions from 4 submitters: Pathogenic (3). 1 of the submissions does not count toward it. Last evaluated 2024-05-27.

Conditions:
Optic atrophy. Identifiers: MedGen C0029124, MONDO:0003608, HP:0000648.
Retinal dystrophy. Also called: Inherited retinal dystrophy. Identifiers: Orphanet 71862, MedGen C0854723, MeSH D058499, MONDO:0019118, HP:0000556.
OPA1-related disorder. Also called: OPA1-related disorders; OPA1-related condition.

Submissions (4):

Ophthalmic Genetics Group, Institute of Molecular and Clinical Ophthalmology Basel
Classification: Pathogenic for Retinal dystrophy. Last evaluated: 2024-05-27. Review status: criteria provided, single submitter. Criteria: ACMG Guidelines, 2015. Collection method: research. Allele origin: germline. Affected: yes. Observed: 2 variant alleles.
Comment: This variant was classified as Pathogenic based on ACMG criteria: PVS1_very strong, PP5_mod and PM2_sup

Blueprint Genetics
Classification: Pathogenic for OPA1-related disorders. Last evaluated: 2022-12-30. Review status: criteria provided, single submitter. Criteria: ACMG Guidelines, 2015. Collection method: clinical testing. Allele origin: germline. Affected: yes. Observed: 1 variant allele.

Labcorp Genetics (formerly Invitae), Labcorp
Classification: Pathogenic. Last evaluated: 2022-10-05. Review status: criteria provided, single submitter. Criteria: Invitae Variant Classification Sherloc (09022015). Collection method: clinical testing. Allele origin: germline.
Comment: This sequence change creates a premature translational stop signal (p.Asp211Lysfs*16) in the OPA1 gene. It is expected to result in an absent or disrupted protein product. Loss-of-function variants in OPA1 are known to be pathogenic (PMID: 11440988, 20157015, 20952381, 25012220). For these reasons, this variant has been classified as Pathogenic. This premature translational stop signal has been observed in individual(s) with OPA1-related conditions (PMID: 25205859, 34242285). This variant is not present in population databases (gnomAD no frequency).

Institute of Human Genetics, Univ. Regensburg, Univ. Regensburg
Classification: Pathogenic for Optic atrophy. Last evaluated: 2018-01-01. Review status: no assertion criteria provided. Criteria: ACMG Guidelines, 2015. Collection method: clinical testing. Allele origin: germline. Affected: yes. Not counted in ClinVar's aggregate classification.

Literature cited by the submitters: PubMed 17306754 (cited by Ophthalmic Genetics Group, Institute of Molecular and Clinical Ophthalmology Basel); PubMed 25205859 (cited by Ophthalmic Genetics Group, Institute of Molecular and Clinical Ophthalmology Basel and Labcorp Genetics (formerly Invitae), Labcorp); PubMed 40180963 (cited by Ophthalmic Genetics Group, Institute of Molecular and Clinical Ophthalmology Basel); PubMed 11440988 (cited by Labcorp Genetics (formerly Invitae), Labcorp); PubMed 20157015 (cited by Labcorp Genetics (formerly Invitae), Labcorp); PubMed 20952381 (cited by Labcorp Genetics (formerly Invitae), Labcorp); PubMed 25012220 (cited by Labcorp Genetics (formerly Invitae), Labcorp); PubMed 34242285 (cited by Labcorp Genetics (formerly Invitae), Labcorp).

NM_130837.3(OPA1):c.796_799del (p.Asp266fs)

Gene: OPA1 (OPA1 mitochondrial dynamin like GTPase; plus strand). Cytogenetic location: 3q29.
Variant type: Deletion.
Coding change: c.796_799del on transcript NM_130837.3 (MANE Select); coding-DNA positions 796 to 799, 4 bases deleted (GACA; older notation c.796_799delGACA).
Protein change: p.Asp266fs; shifts the reading frame from aspartic acid 266.
Molecular consequence: frameshift variant.
Genome position (GRCh38, 1-based): chr3:193,631,618-193,631,621, GACA deleted; deleting any 4 consecutive bases within chr3:193,631,616-193,631,621 gives the same sequence; the c. name uses the placement nearest the transcript's 3' end. VCF-style (leftmost placement, unchanged base first): chr3-193631615-TCAGA-T. GRCh37 (hg19) VCF-style: chr3-193349404-TCAGA-T.
Other names: NC_000003.11:g.193349407_193349410del; NP_570850.2:p.(Asp266LysfsTer16); c.262_265del, p.Asp88fs (NM_001354663.2); c.259_262del, p.Asp87fs (NM_001354664.2); c.631_634del, p.Asp211fs (NM_015560.3); c.523_526del, p.Asp175fs (NM_130831.3); c.577_580del, p.Asp193fs (NM_130832.3); c.634_637del, p.Asp212fs (NM_130833.3); and 3 more; short protein forms D193fs, D230fs, D88fs, D229fs, D266fs, D87fs, D175fs, D211fs.
Identifiers: ClinVar variation 2203473 (VCV002203473.7), dbSNP rs2474747856, ClinGen allele CA2577994841.
Genomic context (GRCh38, chr3:193,631,615, plus strand): 5'-GCTGTACATTCTGTATAAACCTAATTCTATTCAACTAAAATTATTTTAAACATTTAGGTG[TCAGA>T]CAAAGAGAAAATTGACCAACTTCAGGAAGAACTTCTGCACACTCAGGTAATCATGATGAC-3'